The following is an entry in ClinVar:

NM_014920.5(CILK1):c.956C>G (p.Pro319Arg)

Gene: CILK1 (ciliogenesis associated kinase 1; minus strand). Cytogenetic location: 6p12.1.
Variant type: single nucleotide variant.
Coding change: c.956C>G on transcript NM_014920.5 (MANE Select); coding-DNA position 956, C replaced by G.
Protein change: p.Pro319Arg; replaces proline 319 with arginine.
Molecular consequence: missense variant. On other transcripts: non-coding transcript variant (1).
Genome position (GRCh38, 1-based): chr6:53,013,858, G>C on the plus strand (C>G on the coding strand, the complement: CILK1 is on the minus strand). VCF-style: chr6-53013858-G-C. GRCh37 (hg19) VCF-style: chr6-52878656-G-C.
Other names: c.956C>G, p.Pro319Arg (NM_001375397.1, NM_001375398.1, NM_001375399.1 and 4 more transcripts); short protein forms P319R.
Identifiers: ClinVar variation 870562 (VCV000870562.3), dbSNP rs1764738037, ClinGen allele CA364469002.
Genomic context (GRCh38, chr6:53,013,858, plus strand): 5'-TGATGCTGTCGTGAAGAAATTCGTGTGTGTGGCTTGGCTGGTGGCTGGGCAGGTGGGACT[G>C]GCTTAATATAAGGAGGTGGGCCTGCCTTTTCCAGGATGCCTTTCTGTGGTTTTTCTGAAT-3'
Protein context (NP_055735.1, residues 309-329): EKAGPPPYIK[Pro319Arg]VPPAQPPAKP

ClinVar aggregate classification (germline): Uncertain significance. Review status: criteria provided, single submitter (1 of 4 stars). 2 submissions from 2 submitters: Uncertain significance (1). 1 of the submissions does not count toward it. Last evaluated 2026-02-27.

Conditions:
Epilepsy, juvenile myoclonic, susceptibility to, 10. Identifiers: MedGen C4693613, MONDO:0060671, OMIM 617924.

Submissions (2):

Women's Health and Genetics/Laboratory Corporation of America, LabCorp
Classification: Uncertain significance. Last evaluated: 2026-02-27. Review status: criteria provided, single submitter. Criteria: LabCorp Variant Classification Summary - May 2015. Collection method: clinical testing. Allele origin: germline.
Comment: Variant summary: CILK1 c.956C>G (p.Pro319Arg) results in a non-conservative amino acid change in the encoded protein sequence. Algorithms developed to predict the effect of missense changes on protein structure and function are either unavailable or do not agree on the potential impact of this missense change. The variant was absent in 251168 control chromosomes. The available data on variant occurrences in the general population are insufficient to allow any conclusion about variant significance. c.956C>G has been observed in the heterozygous state in an individual affected with leukodystrophy (Ashrafi_2023). This report does not provide unequivocal conclusions about association of the variant with CILK1-Related Disorders. To our knowledge, no experimental evidence demonstrating an impact on protein function has been reported. The following publication has been ascertained in the context of this evaluation (PMID: 37597066). ClinVar contains an entry for this variant (Variation ID: 870562). Based on the evidence outlined above, the variant was classified as uncertain significance.

Myelin Disorders Clinic-Children's Medical Center/Medical Genetics Lab-Tarbiat Modares University, Children's Medical Center, Pediatrics Center of Excellence,
Classification: Uncertain significance for Epilepsy, juvenile myoclonic, susceptibility to, 10. Review status: no assertion criteria provided. Collection method: clinical testing. Allele origin: de novo. Inheritance: Autosomal dominant inheritance. Affected: yes. Observed: 1 heterozygote. Not counted in ClinVar's aggregate classification.

Literature cited by the submitters: PubMed 37597066 (cited by Women's Health and Genetics/Laboratory Corporation of America, LabCorp).